The following is an entry in ClinVar:

ClinVar aggregate classification (germline): Pathogenic (1 of 4 stars; one submission).

Conditions:
Familial hypocalciuric hypercalcemia (FHH). Also called: Familial benign hypercalcemia. Identifiers: Orphanet 405, MedGen C1809471, MONDO:0018458.

Submission:

Women's Health and Genetics/Laboratory Corporation of America, LabCorp
Classification: Pathogenic for Familial hypocalciuric hypercalcemia. Last evaluated: 2024-07-31. Review status: criteria provided, single submitter. Criteria: LabCorp Variant Classification Summary - May 2015. Collection method: clinical testing. Allele origin: germline.
Comment: Variant summary: CASR c.2232C>A (p.Tyr744X) results in a premature termination codon, predicted to cause a truncation of the encoded protein. It is not predicted to result in nonsense mediated decay, however pathogenic variants have been observed downstream in our laboratory. The variant was absent in 250632 control chromosomes. To our knowledge, no occurrence of c.2232C>A in individuals affected with Familial Hypocalciuric Hypercalcemia and no experimental evidence demonstrating its impact on protein function have been reported. No submitters have cited clinical-significance assessments for this variant to ClinVar. Based on the evidence outlined above, the variant was classified as pathogenic.

NM_000388.4(CASR):c.2232C>A (p.Tyr744Ter)

Gene: CASR (calcium sensing receptor; plus strand). Cytogenetic location: 3q21.1.
Variant type: single nucleotide variant.
Coding change: c.2232C>A on transcript NM_000388.4 (MANE Select); coding-DNA position 2232, C replaced by A.
Protein change: p.Tyr744Ter; replaces tyrosine 744 with a stop codon.
Molecular consequence: nonsense.
Genome position (GRCh38, 1-based): chr3:122,284,186, C>A. VCF-style: chr3-122284186-C-A. GRCh37 (hg19) VCF-style: chr3-122003033-C-A.
Other names: c.2262C>A, p.Tyr754Ter (NM_001178065.2); short protein forms Y744*, Y754*.
Identifiers: ClinVar variation 3339405 (VCV003339405.1).